The following is an entry in ClinVar:

NM_001277115.2(DNAH11):c.10796A>G (p.Gln3599Arg)

Gene: DNAH11 (dynein axonemal heavy chain 11; plus strand). Cytogenetic location: 7p15.3.
Variant type: single nucleotide variant.
Coding change: c.10796A>G on transcript NM_001277115.2 (MANE Select); coding-DNA position 10796, A replaced by G.
Protein change: p.Gln3599Arg; replaces glutamine 3599 with arginine.
Molecular consequence: missense variant.
Genome position (GRCh38, 1-based): chr7:21,842,648, A>G. VCF-style: chr7-21842648-A-G. GRCh37 (hg19) VCF-style: chr7-21882266-A-G.
Other names: short protein forms Q3599R.
Identifiers: ClinVar variation 1009907 (VCV001009907.14), dbSNP rs371437266, ClinGen allele CA4182489.

ClinVar aggregate classification (germline): Conflicting classifications of pathogenicity. Review status: criteria provided, conflicting classifications (1 of 4 stars). 3 submissions from 3 submitters: Uncertain significance (2); Benign (1). Last evaluated 2025-12-14.

Conditions:
Primary ciliary dyskinesia. Also called: Ciliary dyskinesia. Identifiers: Orphanet 244, MedGen C0008780, MONDO:0016575, HP:0012265.

Allele frequency attached by ClinVar (database versions not stated): ExAC 0.00003; gnomAD exomes 0.00003 and 0.00012; gnomAD 0.00004 and 0.00005; ESP Exome Variant Server 0.00008; TOPMed 0.00008.
gnomAD v4.1: 178 of 1,613,850 alleles (0.011%); highest among the groups gnomAD compares: Non-Finnish European, 0.015%; no homozygotes.

Submissions (3):

Labcorp Genetics (formerly Invitae), Labcorp
Classification: Benign for Primary ciliary dyskinesia. Last evaluated: 2025-12-14. Review status: criteria provided, single submitter. Criteria: Invitae Variant Classification Sherloc (09022015). Collection method: clinical testing. Allele origin: germline.

Ambry Genetics
Classification: Uncertain significance for Primary ciliary dyskinesia. Last evaluated: 2025-01-29. Review status: criteria provided, single submitter. Criteria: Ambry Variant Classification Scheme 2023. Collection method: clinical testing. Allele origin: germline.

GeneDx
Classification: Uncertain significance. Last evaluated: 2019-06-28. Review status: criteria provided, single submitter. Criteria: GeneDx Variant Classification Process June 2021. Collection method: clinical testing. Allele origin: germline. Affected: yes.
Comment: In silico analysis, which includes protein predictors and evolutionary conservation, supports a deleterious effect; Has not been previously published as pathogenic or benign to our knowledge